The following is an entry in ClinVar:

ClinVar aggregate classification (germline): Likely pathogenic. Review status: criteria provided, multiple submitters, no conflicts (2 of 4 stars). 2 submissions from 2 submitters: Likely pathogenic (2). Last evaluated 2025-07-05.

Conditions:
Lethal left ventricular non-compaction-seizures-hypotonia-cataract-developmental delay syndrome. Also called: Combined oxidative phosphorylation deficiency 31. Identifiers: Orphanet 478049, MedGen C4310661, MONDO:0014976, OMIM 617228.

Allele frequency attached by ClinVar (database versions not stated): ExAC 0.00002; TOPMed 0.00001; gnomAD 0.00001.
gnomAD v4.1: 19 of 1,532,114 alleles (0.0012%); highest among the groups gnomAD compares: Non-Finnish European, 0.0015%; no homozygotes.

Submissions (2):

GeneDx
Classification: Likely pathogenic. Last evaluated: 2025-07-05. Review status: criteria provided, single submitter. Criteria: GeneDx Variant Classification Process June 2021. Collection method: clinical testing. Allele origin: germline.
Comment: Not observed at significant frequency in large population cohorts (gnomAD); In silico analysis supports that this missense variant has a deleterious effect on protein structure/function; This variant is associated with the following publications: (PMID: 31607746)

Undiagnosed Diseases Network, NIH
Classification: Likely pathogenic for Lethal left ventricular non-compaction-seizures-hypotonia-cataract-developmental delay syndrome. Last evaluated: 2018-01-04. Review status: criteria provided, single submitter. Criteria: ACMG Guidelines, 2015. Collection method: clinical testing. Allele origin: paternal. Inheritance: Autosomal recessive inheritance. Affected: yes. Observed: 1 variant allele, 1 compound heterozygote. Study: Undiagnosed Diseases Network (NIH), UDN.

NM_005932.4(MIPEP):c.358G>A (p.Asp120Asn)

Gene: MIPEP (mitochondrial intermediate peptidase; minus strand). Cytogenetic location: 13q12.12.
Variant type: single nucleotide variant.
Coding change: c.358G>A on transcript NM_005932.4 (MANE Select); coding-DNA position 358, G replaced by A.
Protein change: p.Asp120Asn; replaces aspartic acid 120 with asparagine.
Molecular consequence: missense variant.
Genome position (GRCh38, 1-based): chr13:23,886,338, C>T on the plus strand (G>A on the coding strand, the complement: MIPEP is on the minus strand). VCF-style: chr13-23886338-C-T. GRCh37 (hg19) VCF-style: chr13-24460477-C-T.
Other names: short protein forms D120N.
Identifiers: ClinVar variation 584454 (VCV000584454.5), dbSNP rs780533096, ClinGen allele CA6913382.